The following is an entry in ClinVar:

ClinVar aggregate classification (germline): Pathogenic/Likely pathogenic. Review status: criteria provided, multiple submitters, no conflicts (2 of 4 stars). 2 submissions from 2 submitters: Pathogenic (1); Likely pathogenic (1). Last evaluated 2022-06-30.

Conditions:
Hereditary breast ovarian cancer syndrome. Also called: Hereditary breast and/or ovarian cancer syndrome; BRCA1- and BRCA2-Associated Hereditary Breast and Ovarian Cancer; Hereditary breast and ovarian cancer syndrome (HBOC); Breast and ovarian cancer; Hereditary breast and ovarian cancer syndrome; Hereditary breast and ovarian cancer. Identifiers: Orphanet 145, MedGen C0677776, MeSH D061325, MONDO:0003582. Disease mechanism: loss of function.
Breast-ovarian cancer, familial, susceptibility to, 2 (BROVCA2). Also called: BRCA2 Hereditary Breast and Ovarian Cancer. Identifiers: Orphanet 145, MedGen C2675520, MONDO:0012933, OMIM 612555. Disease mechanism: loss of function.

Submissions (2):

Laboratory for Molecular Medicine, Mass General Brigham Personalized Medicine
Classification: Likely pathogenic for Hereditary breast ovarian cancer syndrome. Last evaluated: 2022-06-30. Review status: criteria provided, single submitter. Criteria: ACMG Guidelines, 2015. Collection method: clinical testing. Allele origin: germline.
Comment: The p.Gln2945X in BRCA2 has not been previously reported in individuals with hereditary breast and/or ovarian cancer and was absent from large population studies. This nonsense variant leads to a premature termination codon at position 2945, which is predicted to lead to a truncated or absent protein. Loss of function of the BRCA2 gene is an established disease mechanism in autosomal dominant hereditary breast and ovarian cancer. In summary, although additional studies are required to fully establish its clinical significance, this variant meets criteria to be classified as likely pathogenic for autosomal dominant hereditary breast and ovarian cancer. ACMG/AMP criteria applied: PVS1, PM2_Supporting.

Juno Genomics, Hangzhou Juno Genomics, Inc
Classification: Pathogenic for Breast-ovarian cancer, familial, susceptibility to, 2. Review status: criteria provided, single submitter. Criteria: ACMG Guidelines, 2015. Collection method: clinical testing. Allele origin: germline.
Comment: Absent from controls (or at extremely low frequency if recessive) in Genome Aggregation Database.;Null variant in a gene where loss of function (LOF) is a known mechanism of disease.;Novel missense change at an amino acid residue where a different missense change determined to be pathogenic has been seen before.

NM_000059.4(BRCA2):c.8833C>T (p.Gln2945Ter)

Gene: BRCA2 (BRCA2 DNA repair associated; plus strand). Cytogenetic location: 13q13.1.
Variant type: single nucleotide variant.
Coding change: c.8833C>T on transcript NM_000059.4 (MANE Select); coding-DNA position 8833, C replaced by T.
Protein change: p.Gln2945Ter; replaces glutamine 2945 with a stop codon.
Molecular consequence: nonsense. On other transcripts: non-coding transcript variant (1).
Genome position (GRCh38, 1-based): chr13:32,379,395, C>T. VCF-style: chr13-32379395-C-T. GRCh37 (hg19) VCF-style: chr13-32953532-C-T.
Other names: c.8737C>T, p.Gln2913Ter (NM_001406719.1); c.8833C>T, p.Gln2945Ter (NM_001406720.1); c.3901C>T, p.Gln1301Ter (NM_001406721.1); c.2416C>T, p.Gln806Ter (NM_001406722.1); short protein forms Q1301*, Q2913*, Q2945*, Q806*.
Identifiers: ClinVar variation 3075859 (VCV003075859.3), dbSNP rs2137619671, ClinGen allele CA387756184.